The following is an entry in ClinVar:

NM_018136.5(ASPM):c.2263G>A (p.Ala755Thr)

Gene: ASPM (assembly factor for spindle microtubules; minus strand). Cytogenetic location: 1q31.3.
Variant type: single nucleotide variant.
Coding change: c.2263G>A on transcript NM_018136.5 (MANE Select); coding-DNA position 2263, G replaced by A.
Protein change: p.Ala755Thr; replaces alanine 755 with threonine.
Molecular consequence: missense variant.
Genome position (GRCh38, 1-based): chr1:197,133,506, C>T on the plus strand (G>A on the coding strand, the complement: ASPM is on the minus strand). VCF-style: chr1-197133506-C-T. GRCh37 (hg19) VCF-style: chr1-197102636-C-T.
Other names: c.2263G>A, p.Ala755Thr (NM_001206846.2); short protein forms A755T.
Identifiers: ClinVar variation 294647 (VCV000294647.10), dbSNP rs150852085, ClinGen allele CA1310507.

ClinVar aggregate classification (germline): Conflicting classifications of pathogenicity. Review status: criteria provided, conflicting classifications (1 of 4 stars). 4 submissions from 4 submitters: Uncertain significance (3); Likely benign (1). Last evaluated 2018-05-15.

Conditions:
Microcephaly 5, primary, autosomal recessive (MCPH5). Also called: ASPM Primary Microcephaly. Identifiers: Orphanet 2512, MedGen C1837501, MONDO:0012106, OMIM 608716.

Allele frequency attached by ClinVar (database versions not stated): gnomAD exomes 0.00003 and 0.00008; ExAC 0.00010; 1000 Genomes Project 30x 0.00016; 1000 Genomes Project 0.00020; ESP Exome Variant Server 0.00031; gnomAD 0.00037 and 0.00043; TOPMed 0.00044.
gnomAD v4.1: 104 of 1,614,100 alleles (0.0064%); highest among the groups gnomAD compares: African/African-American, 0.13%; 1 homozygote.

Submissions (4):

Athena Diagnostics
Classification: Uncertain significance. Last evaluated: 2018-05-15. Review status: criteria provided, single submitter. Criteria: Athena Diagnostics Criteria. Collection method: clinical testing. Allele origin: germline.

Illumina Laboratory Services, Illumina
Classification: Uncertain significance for Microcephaly 5, primary, autosomal recessive. Last evaluated: 2018-01-13. Review status: criteria provided, single submitter. Criteria: ICSL Variant Classification Criteria 13 December 2019. Collection method: clinical testing. Allele origin: germline.

GeneDx
Classification: Likely benign. Last evaluated: 2017-12-08. Review status: criteria provided, single submitter. Criteria: GeneDx Variant Classification (06012015). Collection method: clinical testing. Allele origin: germline. Affected: yes.
Comment: This variant is considered likely benign or benign based on one or more of the following criteria: it is a conservative change, it occurs at a poorly conserved position in the protein, it is predicted to be benign by multiple in silico algorithms, and/or has population frequency not consistent with disease.

Eurofins Ntd Llc (ga)
Classification: Uncertain significance. Last evaluated: 2017-06-27. Review status: criteria provided, single submitter. Criteria: EGL Classification Definitions 2015. Collection method: clinical testing. Allele origin: germline. Observed: 1 variant allele, 1 heterozygote.